The following is an entry in ClinVar:

NM_152564.5(VPS13B):c.916_917del (p.Asp306fs)

Gene: VPS13B (vacuolar protein sorting 13 homolog B; plus strand). Cytogenetic location: 8q22.2.
Variant type: Deletion.
Coding change: c.916_917del on transcript NM_152564.5 (MANE Select); coding-DNA positions 916 to 917, 2 bases deleted (GA; older notation c.916_917delGA).
Protein change: p.Asp306fs; shifts the reading frame from aspartic acid 306.
Molecular consequence: frameshift variant. On other transcripts: non-coding transcript variant (1).
Genome position (GRCh38, 1-based): chr8:99,115,853-99,115,854, GA deleted; deleting any 2 consecutive bases within chr8:99,115,852-99,115,854 gives the same sequence; the c. name uses the placement nearest the transcript's 3' end. VCF-style (leftmost placement, unchanged base first): chr8-99115851-AAG-A. GRCh37 (hg19) VCF-style: chr8-100128079-AAG-A.
Other names: c.916_917delGA (NM_017890.4); c.916_917del, p.Asp306fs (NM_015243.3, NM_017890.5, NM_181661.3); c.916_917del (NM_017890.4); short protein forms D306fs.
Identifiers: ClinVar variation 56698 (VCV000056698.6), dbSNP rs386834117, ClinGen allele CA264151.

ClinVar aggregate classification (germline): Pathogenic/Likely pathogenic. Review status: criteria provided, multiple submitters, no conflicts (2 of 4 stars). 4 submissions from 4 submitters: Pathogenic (2); Likely pathogenic (1). 1 of the submissions does not count toward it. Last evaluated 2024-04-06.

Conditions:
Cohen syndrome (COH1). Also called: PEPPER SYNDROME; Cutis verticis gyrata, retinitis pigmentosa, and sensorineural deafness. Identifiers: Orphanet 193, MedGen C0265223, MONDO:0008999, OMIM 216550.

Submissions (4):

Fulgent Genetics
Classification: Pathogenic for Cohen syndrome. Last evaluated: 2024-04-06. Review status: criteria provided, single submitter. Criteria: ACMG Guidelines, 2015. Collection method: clinical testing. Allele origin: germline.

Labcorp Genetics (formerly Invitae), Labcorp
Classification: Pathogenic for Cohen syndrome. Last evaluated: 2023-11-06. Review status: criteria provided, single submitter. Criteria: Invitae Variant Classification Sherloc (09022015). Collection method: clinical testing. Allele origin: germline.
Comment: This sequence change creates a premature translational stop signal (p.Asp306Tyrfs*9) in the VPS13B gene. It is expected to result in an absent or disrupted protein product. Loss-of-function variants in VPS13B are known to be pathogenic (PMID: 15141358, 16648375, 20461111). This variant is not present in population databases (gnomAD no frequency). This premature translational stop signal has been observed in individual(s) with Cohen syndrome (PMID: 19006247). ClinVar contains an entry for this variant (Variation ID: 56698). For these reasons, this variant has been classified as Pathogenic.

Equipe Genetique des Anomalies du Developpement, Université de Bourgogne
Classification: Likely pathogenic for Cohen syndrome. Last evaluated: 2015-04-08. Review status: criteria provided, single submitter. Criteria: ACMG Guidelines, 2015. Collection method: clinical testing. Allele origin: unknown. Affected: yes. Study: Clinvar_gadteam_Clinical_exome_analysis_3.

Juha Muilu Group; Institute for Molecular Medicine Finland (FIMM)
Classification: Likely pathogenic for Cohen syndrome. Review status: no assertion criteria provided. Collection method: not provided. Allele origin: unknown. Not counted in ClinVar's aggregate classification.
Comment: FinDis database variant: This variant was not found or characterized by our laboratory, data were collected from public sources: see reference
ClinVar note: Converted during submission from probable-pathogenic to Likely pathogenic.

Literature cited by the submitters: PubMed 15141358 (cited by Labcorp Genetics (formerly Invitae), Labcorp); PubMed 16648375 (cited by Labcorp Genetics (formerly Invitae), Labcorp); PubMed 20461111 (cited by Labcorp Genetics (formerly Invitae), Labcorp); PubMed 19006247 (cited by Labcorp Genetics (formerly Invitae), Labcorp).